The following is an entry in ClinVar:

ClinVar aggregate classification (germline): Uncertain significance (1 of 4 stars; one submission).

Conditions:
Basal cell carcinoma, susceptibility to, 1. Also called: BCC1. Identifiers: MedGen C2751544, MONDO:0011556, OMIM 605462.

gnomAD v4.1: 2 of 1,613,336 alleles (0.00012%); highest among the groups gnomAD compares: African/African-American, 0.0013%; no homozygotes.

Submission:

Dasa
Classification: Uncertain significance for Basal cell carcinoma, susceptibility to, 1. Last evaluated: 2026-03-20. Review status: criteria provided, single submitter. Criteria: DASA Assertion Criteria. Collection method: clinical testing. Allele origin: germline.
Comment: NM_001083603.3(PTCH1):c.67G>A (p.Gly23Ser) is a missense variant that results in the substitution of glycine with serine. This variant is rare in population databases. The currently available literature and clinical evidence are not sufficient to establish a definitive association between this variant and the reported condition. Therefore, this variant is classified as a variant of uncertain significance.

NM_001083603.3(PTCH1):c.67G>A (p.Gly23Ser)

Gene: PTCH1 (patched 1; minus strand). Cytogenetic location: 9q22.32.
Variant type: single nucleotide variant.
Coding change: c.67G>A on transcript NM_001083603.3 (MANE Plus Clinical); coding-DNA position 67, G replaced by A.
Protein change: p.Gly23Ser; replaces glycine 23 with serine.
Molecular consequence: missense variant. On other transcripts: 5 prime UTR variant (2).
Genome position (GRCh38, 1-based): chr9:95,516,754, C>T on the plus strand (G>A on the coding strand, the complement: PTCH1 is on the minus strand). VCF-style: chr9-95516754-C-T. GRCh37 (hg19) VCF-style: chr9-98279036-C-T.
Other names: c.-283G>A (NM_001083602.3, NM_001354919.2); short protein forms G23S.
Identifiers: ClinVar variation 4881526 (VCV004881526.2).